The following is an entry in ClinVar:

ClinVar aggregate classification (germline): Uncertain significance (1 of 4 stars; one submission).

Submission:

Labcorp Genetics (formerly Invitae), Labcorp
Classification: Uncertain significance. Last evaluated: 2023-12-21. Review status: criteria provided, single submitter. Criteria: Invitae Variant Classification Sherloc (09022015). Collection method: clinical testing. Allele origin: germline.
Comment: This sequence change replaces serine, which is neutral and polar, with leucine, which is neutral and non-polar, at codon 639 of the NPAT protein (p.Ser639Leu). This variant is not present in population databases (gnomAD no frequency). This variant has not been reported in the literature in individuals affected with NPAT-related conditions. An algorithm developed to predict the effect of missense changes on protein structure and function (PolyPhen-2) suggests that this variant is likely to be tolerated. In summary, the available evidence is currently insufficient to determine the role of this variant in disease. Therefore, it has been classified as a Variant of Uncertain Significance.

NM_002519.3(NPAT):c.1916C>T (p.Ser639Leu)

Gene: NPAT (nuclear protein, coactivator of histone transcription; minus strand). Cytogenetic location: 11q22.3.
Variant type: single nucleotide variant.
Coding change: c.1916C>T on transcript NM_002519.3 (MANE Select); coding-DNA position 1916, C replaced by T.
Protein change: p.Ser639Leu; replaces serine 639 with leucine.
Molecular consequence: missense variant.
Genome position (GRCh38, 1-based): chr11:108,173,068, G>A on the plus strand (C>T on the coding strand, the complement: NPAT is on the minus strand). VCF-style: chr11-108173068-G-A. GRCh37 (hg19) VCF-style: chr11-108043795-G-A.
Other names: c.1916C>T, p.Ser639Leu (NM_001321307.1); short protein forms S639L.
Identifiers: ClinVar variation 2850831 (VCV002850831.3), dbSNP rs2496719412, ClinGen allele CA382514079.